The following is an entry in ClinVar:

NM_024675.4(PALB2):c.3026dup (p.Pro1009_Glu1010insTer)

Gene: PALB2 (partner and localizer of BRCA2; minus strand). Cytogenetic location: 16p12.2.
Variant type: Duplication.
Coding change: c.3026dup on transcript NM_024675.4 (MANE Select); coding-DNA position 3026, one base duplicated (C; older notation c.3026dupC).
Protein change: p.Pro1009_Glu1010insTer.
Molecular consequence: frameshift variant. On other transcripts: nonsense (1), intron variant (1).
Genome position (GRCh38, 1-based): chr16:23,621,449, G duplicated on the plus strand (C on the coding strand, the reverse complement: PALB2 is on the minus strand); the first of 5 consecutive G bases (chr16:23,621,449-23,621,453); duplicating any one gives the same sequence. VCF-style (leftmost placement, unchanged base first): chr16-23621448-A-AG. GRCh37 (hg19) VCF-style: chr16-23632769-A-AG.
Other names: c.3026dupC (NM_024675.3); c.2966dup, p.Pro989_Glu990insTer (NM_001407296.1); c.2954dup, p.Pro985_Glu986insTer (NM_001407297.1); c.2864dup, p.Pro955_Glu956insTer (NM_001407298.1, NM_001407302.1); c.3026dup, p.Pro1009_Glu1010insTer (NM_001407299.1, NM_001407301.1); c.2141dup, p.Pro714_Glu715insTer (NM_001407304.1, NM_001407305.1, NM_001407306.1 and 4 more transcripts); c.1979dup, p.Pro660_Glu661insTer (NM_001407307.1); c.1238dup, p.Pro413_Glu414insTer (NM_001407312.1, NM_001407313.1); and 2 more.
Identifiers: ClinVar variation 3303986 (VCV003303986.1).

ClinVar aggregate classification (germline): Pathogenic (1 of 4 stars; one submission).

Conditions:
Hereditary cancer-predisposing syndrome. Also called: Tumor predisposition; Hereditary Cancer Syndrome; Hereditary neoplastic syndrome; Neoplastic Syndromes, Hereditary. Identifiers: Orphanet 140162, MedGen C0027672, MeSH D009386, MONDO:0015356.

Submission:

Ambry Genetics
Classification: Pathogenic for Hereditary cancer-predisposing syndrome. Last evaluated: 2024-05-31. Review status: criteria provided, single submitter. Criteria: Ambry Variant Classification Scheme 2023. Collection method: clinical testing. Allele origin: germline.
Comment: The c.3026dupC pathogenic mutation, located in coding exon 10 of the PALB2 gene, results from a duplication of C at nucleotide position 3026, causing a translational frameshift with a predicted alternate stop codon (p.E1010*). This variant is considered to be rare based on population cohorts in the Genome Aggregation Database (gnomAD). This alteration is expected to result in loss of function by premature protein truncation or nonsense-mediated mRNA decay. As such, this alteration is interpreted as a disease-causing mutation.